The following is an entry in ClinVar:

GRCh38/hg38 4p16.3(chr4:72555-113701)x3

Gene: ZNF595 (zinc finger protein 595; plus strand). Cytogenetic location: 4p16.3.
Variant type: copy number gain.
Change: copy number 3 (three copies instead of two) of chr4:72,555-113,701 (41.1 kb, GRCh38 coordinates, 1-based), cytogenetic band 4p16.3.
Identifiers: ClinVar variation 161020 (VCV000161020.1).

ClinVar aggregate classification (germline): Benign (1 of 4 stars; one submission).

Submission:

ISCA site 4
Classification: Benign. Last evaluated: 2011-08-12. Review status: criteria provided, single submitter. Criteria: Kaminsky et al. (Genet Med. 2011). Collection method: clinical testing. Allele origin: unknown. Affected: yes. Observed: 1 variant allele.
Comment: Copy number variation identified through the course of routine clinical cytogenomic testing in postnatal populations. Clinical assertions have been curated as described in Kaminsky et al. 2011.